The following is an entry in ClinVar:

NM_001136191.3(KANK2):c.1417+9T>C

Gene: KANK2 (KN motif and ankyrin repeat domains 2; minus strand). Cytogenetic location: 19p13.2.
Variant type: single nucleotide variant.
Coding change: c.1417+9T>C on transcript NM_001136191.3 (MANE Select); 9 bases into the intron after coding-DNA position 1417, T replaced by C.
Molecular consequence: intron variant.
Genome position (GRCh38, 1-based): chr19:11,178,544, A>G on the plus strand (T>C on the coding strand, the complement: KANK2 is on the minus strand). VCF-style: chr19-11178544-A-G. GRCh37 (hg19) VCF-style: chr19-11289220-A-G.
Other names: c.1417+9T>C (NM_001379552.1, NM_001379553.1, NM_001379562.1 and 15 more transcripts).
Identifiers: ClinVar variation 3055381 (VCV003055381.2), dbSNP rs2512673788, ClinGen allele CA2740091877.

ClinVar aggregate classification (germline): Likely benign (0 of 4 stars; one submission).

Conditions:
KANK2-related disorder. Also called: KANK2-related condition.

Submission:

PreventionGenetics, part of Exact Sciences
Classification: Likely benign for KANK2-related condition. Last evaluated: 2022-11-17. Review status: no assertion criteria provided. Collection method: clinical testing. Allele origin: germline.
Comment: This variant is classified as likely benign based on ACMG/AMP sequence variant interpretation guidelines (Richards et al. 2015 PMID: 25741868, with internal and published modifications).